The following is an entry in ClinVar:

NM_015631.6(TCTN3):c.1453-28A>G

Gene: TCTN3 (tectonic family member 3; minus strand). Cytogenetic location: 10q24.1.
Variant type: single nucleotide variant.
Coding change: c.1453-28A>G on transcript NM_015631.6 (MANE Select); 28 bases into the intron before coding-DNA position 1453, A replaced by G.
Molecular consequence: intron variant.
Genome position (GRCh38, 1-based): chr10:95,680,637, T>C on the plus strand (A>G on the coding strand, the complement: TCTN3 is on the minus strand). VCF-style: chr10-95680637-T-C. GRCh37 (hg19) VCF-style: chr10-97440394-T-C.
Other names: c.1009-28A>G (NM_001143973.2).
Identifiers: ClinVar variation 675045 (VCV000675045.4), dbSNP rs12784530, ClinGen allele CA5620825.

ClinVar aggregate classification (germline): Benign. Review status: criteria provided, multiple submitters, no conflicts (2 of 4 stars). 4 submissions from 3 submitters: Benign (4). Last evaluated 2021-07-15.

Conditions:
Joubert syndrome 18 (JBTS18). Identifiers: Orphanet 2754, MedGen C3553758, MONDO:0013896, OMIM 614815.
Orofacial-digital syndrome IV (OFD4). Also called: Orofaciodigital syndrome IV; BARAITSER-BURN SYNDROME; OFD SYNDROME WITH TIBIAL DEFECTS; OFD SYNDROME, BARAITSER-BURN TYPE; OFDS IV; ORAL-FACIAL-DIGITAL SYNDROME, TYPE IV. Identifiers: Orphanet 2753, MedGen C0406727, MONDO:0009794, OMIM 258860.

Allele frequency attached by ClinVar (database versions not stated): 1000 Genomes Project 30x 0.16099; 1000 Genomes Project 0.16274; TOPMed 0.20393; gnomAD exomes 0.20478 and 0.22891; ExAC 0.20566; gnomAD 0.21142 and 0.21461; ESP Exome Variant Server 0.21359.
gnomAD v4.1: 364,156 of 1,605,660 alleles (23%); highest among the groups gnomAD compares: Non-Finnish European, 24%; 42,938 homozygotes.

Submissions (4):

Genome-Nilou Lab
Classification: Benign for Joubert syndrome 18. Last evaluated: 2021-07-15. Review status: criteria provided, single submitter. Criteria: ACMG Guidelines, 2015. Collection method: clinical testing. Allele origin: germline. Affected: no.

Genome-Nilou Lab
Classification: Benign for Orofacial-digital syndrome IV. Last evaluated: 2021-07-15. Review status: criteria provided, single submitter. Criteria: ACMG Guidelines, 2015. Collection method: clinical testing. Allele origin: germline. Affected: no.

GeneDx
Classification: Benign. Last evaluated: 2018-06-19. Review status: criteria provided, single submitter. Criteria: GeneDx Variant Classification (06012015). Collection method: clinical testing. Allele origin: germline. Affected: yes.
Comment: This variant is considered likely benign or benign based on one or more of the following criteria: it is a conservative change, it occurs at a poorly conserved position in the protein, it is predicted to be benign by multiple in silico algorithms, and/or has population frequency not consistent with disease.

Breakthrough Genomics
Classification: Benign. Review status: criteria provided, single submitter. Criteria: ACMG Guidelines, 2015. Collection method: not provided. Allele origin: germline. Inheritance: Autosomal recessive inheritance. Affected: yes.